The following is an entry in ClinVar:

NM_006269.2(RP1):c.1354C>T (p.Pro452Ser)

Gene: RP1 (RP1 axonemal microtubule associated; plus strand). Cytogenetic location: 8q12.1.
Variant type: single nucleotide variant.
Coding change: c.1354C>T on transcript NM_006269.2 (MANE Select); coding-DNA position 1354, C replaced by T.
Protein change: p.Pro452Ser; replaces proline 452 with serine.
Molecular consequence: missense variant. On other transcripts: intron variant (1).
Genome position (GRCh38, 1-based): chr8:54,625,236, C>T. VCF-style: chr8-54625236-C-T. GRCh37 (hg19) VCF-style: chr8-55537796-C-T.
Other names: c.787+2948C>T (NM_001375654.1); short protein forms P452S.
Identifiers: ClinVar variation 2869465 (VCV002869465.3), dbSNP rs1489659885, ClinGen allele CA370990070.

ClinVar aggregate classification (germline): Uncertain significance (1 of 4 stars; one submission).

Allele frequency attached by ClinVar (database versions not stated): gnomAD exomes below 0.00001.
gnomAD v4.1: 2 of 1,614,130 alleles (0.00012%); highest among the groups gnomAD compares: Non-Finnish European, 0.00017%; no homozygotes.

Submission:

Labcorp Genetics (formerly Invitae), Labcorp
Classification: Uncertain significance. Last evaluated: 2022-10-21. Review status: criteria provided, single submitter. Criteria: Invitae Variant Classification Sherloc (09022015). Collection method: clinical testing. Allele origin: germline.
Comment: This sequence change replaces proline, which is neutral and non-polar, with serine, which is neutral and polar, at codon 452 of the RP1 protein (p.Pro452Ser). This variant is present in population databases (no rsID available, gnomAD 0.0009%). This variant has not been reported in the literature in individuals affected with RP1-related conditions. Algorithms developed to predict the effect of missense changes on protein structure and function (SIFT, PolyPhen-2, Align-GVGD) all suggest that this variant is likely to be disruptive. In summary, the available evidence is currently insufficient to determine the role of this variant in disease. Therefore, it has been classified as a Variant of Uncertain Significance.